The following is an entry in ClinVar:

ClinVar aggregate classification (germline): Uncertain significance (1 of 4 stars; one submission).

Conditions:
Epidermolysis bullosa simplex 3, localized or generalized intermediate, with BP230 deficiency (EBS3). Also called: Epidermolysis bullosa simplex due to BP230 deficiency; Epidermolysis bullosa simplex, autosomal recessive 2. Identifiers: Orphanet 412181, MedGen C3809470, MONDO:0014180, OMIM 615425.
Hereditary sensory and autonomic neuropathy type 6. Also called: HSAN VI; Neuropathy, hereditary sensory and autonomic, type VI. Identifiers: Orphanet 314381, MedGen C3539003, MONDO:0013839, OMIM 614653.

Allele frequency attached by ClinVar (database versions not stated): gnomAD exomes 0.00001 and 0.00004; ExAC 0.00002; gnomAD 0.00006; TOPMed 0.00009; ESP Exome Variant Server 0.00016.
gnomAD v4.1: 24 of 1,613,744 alleles (0.0015%); highest among the groups gnomAD compares: African/African-American, 0.02%; no homozygotes.

Submission:

Labcorp Genetics (formerly Invitae), Labcorp
Classification: Uncertain significance for Epidermolysis bullosa simplex 3, localized or generalized intermediate, with BP230 deficiency; Hereditary sensory and autonomic neuropathy type 6. Last evaluated: 2021-06-15. Review status: criteria provided, single submitter. Criteria: Invitae Variant Classification Sherloc (09022015). Collection method: clinical testing. Allele origin: germline.
Comment: This sequence change replaces methionine with isoleucine at codon 3389 of the DST protein (p.Met3389Ile). The DST gene has multiple clinically relevant transcripts. This variant occurs in alternate transcript NM_015548.4, and corresponds to NM_001723.5:c.*89063G>A in the primary transcript. This variant is present in population databases (rs201328789, ExAC 0.02%). This variant has not been reported in the literature in individuals with DST-related conditions. Experimental studies and prediction algorithms are not available or were not evaluated, and the functional significance of this variant is currently unknown. In summary, the available evidence is currently insufficient to determine the role of this variant in disease. Therefore, it has been classified as a Variant of Uncertain Significance.

NM_001374736.1(DST):c.18036G>A (p.Met6012Ile)

Gene: DST (dystonin; minus strand). Cytogenetic location: 6p12.1.
Variant type: single nucleotide variant.
Coding change: c.18036G>A on transcript NM_001374736.1 (MANE Select); coding-DNA position 18036, G replaced by A.
Protein change: p.Met6012Ile; replaces methionine 6012 with isoleucine.
Molecular consequence: missense variant.
Genome position (GRCh38, 1-based): chr6:56,526,454, C>T on the plus strand (G>A on the coding strand, the complement: DST is on the minus strand). VCF-style: chr6-56526454-C-T. GRCh37 (hg19) VCF-style: chr6-56391252-C-T.
Other names: c.11679G>A, p.Met3893Ile (NM_001144769.5); c.11265G>A, p.Met3755Ile (NM_001144770.2); c.18036G>A, p.Met6012Ile (NM_001374722.1); c.17076G>A, p.Met5692Ile (NM_001374729.1); c.10818G>A, p.Met3606Ile (NM_001374730.1); c.18063G>A, p.Met6021Ile (NM_001374734.1); c.11145G>A, p.Met3715Ile (NM_001386100.1, NM_183380.4); c.10167G>A, p.Met3389Ile (NM_015548.5); short protein forms M3755I, M3389I, M3606I, M3715I, M5692I, M3893I, M6012I, M6021I.
Identifiers: ClinVar variation 1514458 (VCV001514458.3), dbSNP rs201328789, ClinGen allele CA3867315.